The following is an entry in ClinVar:

ClinVar aggregate classification (germline): Uncertain significance. Review status: criteria provided, multiple submitters, no conflicts (2 of 4 stars). 2 submissions from 2 submitters: Uncertain significance (2). Last evaluated 2024-03-13.

Conditions:
PKD1-related disorder. Also called: PKD1-related condition.
Polycystic kidney disease, adult type (PKD1). Also called: POLYCYSTIC KIDNEY DISEASE 1 WITH OR WITHOUT POLYCYSTIC LIVER DISEASE; Polycystic Kidney Disease 1, Autosomal Dominant; Polycystic kidney disease 1; Polycystic kidney disease 1, severe; Polycystic Kidney, Autosomal Dominant; POLYCYSTIC KIDNEY DISEASE, ADULT, TYPE I. Identifiers: MedGen C3149841, MONDO:0008263, OMIM 173900.

Allele frequency attached by ClinVar (database versions not stated): TOPMed below 0.00001; gnomAD 0.00001.
gnomAD v4.1: 29 of 1,610,398 alleles (0.0018%); highest among the groups gnomAD compares: East Asian, 0.065%; no homozygotes.

Submissions (2):

Fulgent Genetics
Classification: Uncertain significance for Polycystic kidney disease, adult type. Last evaluated: 2024-03-13. Review status: criteria provided, single submitter. Criteria: ACMG Guidelines, 2015. Collection method: clinical testing. Allele origin: germline.

PreventionGenetics, part of Exact Sciences
Classification: Uncertain significance for PKD1-related condition. Last evaluated: 2022-10-08. Review status: criteria provided, single submitter. Criteria: ACMG Guidelines, 2015. Collection method: clinical testing. Allele origin: germline.
Comment: The PKD1 c.4191G>T variant is predicted to result in the amino acid substitution p.Glu1397Asp. To our knowledge, this variant has not been reported in the literature or in a large population database, indicating this variant is rare. At this time, the clinical significance of this variant is uncertain due to the absence of conclusive functional and genetic evidence.

NM_001009944.3(PKD1):c.4191G>T (p.Glu1397Asp)

Gene: PKD1 (polycystin 1, transient receptor potential channel interacting; minus strand). Cytogenetic location: 16p13.3.
Variant type: single nucleotide variant.
Coding change: c.4191G>T on transcript NM_001009944.3 (MANE Select); coding-DNA position 4191, G replaced by T.
Protein change: p.Glu1397Asp; replaces glutamic acid 1397 with aspartic acid.
Molecular consequence: missense variant.
Genome position (GRCh38, 1-based): chr16:2,110,976, C>A on the plus strand (G>T on the coding strand, the complement: PKD1 is on the minus strand). VCF-style: chr16-2110976-C-A. GRCh37 (hg19) VCF-style: chr16-2160977-C-A.
Other names: c.4191G>T, p.Glu1397Asp (NM_000296.4); short protein forms E1397D.
Identifiers: ClinVar variation 2628440 (VCV002628440.2), dbSNP rs1356967038, ClinGen allele CA394381240.